The following is an entry in ClinVar:

NM_001904.4(CTNNB1):c.2023_2056delinsCTGTTCTGAAGAGAGAGCTGGTCAGCTCAACTGAA (p.Ser675_Glu686delinsLeuPheTer)

Gene: CTNNB1 (catenin beta 1; plus strand). Cytogenetic location: 3p22.1.
Variant type: Indel.
Coding change: c.2023_2056delinsCTGTTCTGAAGAGAGAGCTGGTCAGCTCAACTGAA on transcript NM_001904.4 (MANE Select); coding-DNA positions 2023 to 2056, the reference bases replaced by an inserted sequence.
Protein change: p.Ser675_Glu686delinsLeuPheTer.
Molecular consequence: nonsense.
Genome position (GRCh38, 1-based): chr3:41,236,656-41,236,689, 34 bases replaced. GRCh37 (hg19): chr3:41,278,147-41,278,180.
Other names: c.2022_2056delinsTCTGTTCTGAAGAGAGAGCTGGTCAGCTCAACTGAA (NM_001904.4); c.2023_2056delinsCTGTTCTGAAGAGAGAGCTGGTCAGCTCAACTGAA, p.Ser675_Glu686delinsLeuPheTer (NM_001098209.2, NM_001098210.2, NM_001438871.1 and 4 more transcripts); c.2002_2035delinsCTGTTCTGAAGAGAGAGCTGGTCAGCTCAACTGAA, p.Ser668_Glu679delinsLeuPheTer (NM_001330729.2).
Identifiers: ClinVar variation 5019169 (VCV005019169.1).
Genomic context (GRCh38, chr3:41,236,656, plus strand): 5'-GCAGCTGCTGTTTTGTTCCGAATGTCTGAGGACAAGCCACAAGATTACAAGAAACGGCTT[TCAGTTGAGCTGACCAGCTCTCTCTTCAGAACAG>CTGTTCTGAAGAGAGAGCTGGTCAGCTCAACTGAA]AGCCAATGGCTTGGAATGAGGTAGGGAAATGTGAGCAGTTATTTATCTGGTAGTTTCCTA-3'

ClinVar aggregate classification (germline): Pathogenic (1 of 4 stars; one submission).

Conditions:
Colorectal cancer. Also called: Malignant Colorectal Neoplasm; Colorectal cancer, somatic. Identifiers: MedGen C0346629, MONDO:0005575, OMIM 114500.
Severe intellectual disability-progressive spastic diplegia syndrome (NEDSDV). Also called: NEURODEVELOPMENTAL DISORDER WITH SPASTIC DIPLEGIA AND VISUAL DEFECTS; CTNNB1 Neurodevelopmental Disorder. Identifiers: Orphanet 404473, MedGen C3554449, MONDO:0014035, OMIM 615075.
Exudative vitreoretinopathy 7. Identifiers: MedGen C4539767, MONDO:0033123, OMIM 617572.
Ovarian cancer. Also called: OVARIAN CANCER, SOMATIC. Identifiers: Orphanet 213500, MedGen C1140680, MONDO:0008170, OMIM 167000.
Hepatocellular carcinoma (HCC). Also called: Primary carcinoma of liver; HEPATOMA; LIVER CELL CARCINOMA. Identifiers: Orphanet 88673, MedGen C2239176, MONDO:0007256, OMIM 114550, HP:0001402.
Medulloblastoma (MDB). Also called: MEDULLOBLASTOMA PREDISPOSITION SYNDROME; Medulloblastoma, somatic. Identifiers: Orphanet 616, MedGen C0025149, MeSH D008527, MONDO:0007959, OMIM 155255, HP:0002885.
Pilomatrixoma (PTR). Also called: Pilomatricoma, somatic; PILOMATRICOMA; EPITHELIOMA CALCIFICANS OF MALHERBE. Identifiers: Orphanet 91414, MedGen C0206711, MeSH D018296, MONDO:0007564, OMIM 132600, HP:0030434.

Submission:

Juno Genomics, Hangzhou Juno Genomics, Inc
Classification: Pathogenic for Colorectal cancer; Exudative vitreoretinopathy 7; Hepatocellular carcinoma; Medulloblastoma; Severe intellectual disability-progressive spastic diplegia syndrome; Ovarian cancer; Pilomatrixoma. Review status: criteria provided, single submitter. Criteria: ACMG Guidelines, 2015. Collection method: clinical testing. Allele origin: germline. Affected: yes.
Comment: Absent from controls (or at extremely low frequency if recessive) in Genome Aggregation Database.;Null variant in a gene where loss of function (LOF) is a known mechanism of disease.;De novo (both maternity and paternity confirmed) in a patient with the disease and no family history.;Patient's phenotype or family history is highly specific for a disease with a single genetic etiology.